The following is an entry in ClinVar:

NM_000426.4(LAMA2):c.6268+167G>A

Genes: LAMA2 (laminin subunit alpha 2; plus strand), LOC123864065 (Sharpr-MPRA regulatory region 661; plus strand). Cytogenetic location: 6q22.33.
Variant type: single nucleotide variant.
Coding change: c.6268+167G>A on transcript NM_000426.4 (MANE Select); 167 bases into the intron after coding-DNA position 6268, G replaced by A.
Molecular consequence: intron variant.
Genome position (GRCh38, 1-based): chr6:129,441,165, G>A. VCF-style: chr6-129441165-G-A. GRCh37 (hg19) VCF-style: chr6-129762310-G-A.
Other names: c.6268+167G>A (NM_001079823.2).
Identifiers: ClinVar variation 682933 (VCV000682933.1), dbSNP rs1889892, ClinGen allele CA12207983.
Genomic context (GRCh38, chr6:129,441,165, plus strand): 5'-TCTGCCTTCCTTCTTTCATAGATTGGCCTCAGAAATTGAGTGTCATGCAGTTCCAAAGCT[G>A]GAATCCAAGTCTTCTAGCTCTGCCCCGGTGCTTTTTTCCTCTGAAATTTTTCCAGTTGAG-3'

ClinVar aggregate classification (germline): Benign (1 of 4 stars; one submission).

Allele frequency attached by ClinVar (database versions not stated): gnomAD 0.66343 and 0.66743; TOPMed 0.67401; 1000 Genomes Project 0.67532; 1000 Genomes Project 30x 0.67598.
gnomAD v4.1: 100,868 of 152,026 alleles (66%); highest among the groups gnomAD compares: African/African-American, 81%; 34,163 homozygotes.

Submission:

GeneDx
Classification: Benign. Last evaluated: 2018-06-14. Review status: criteria provided, single submitter. Criteria: GeneDx Variant Classification (06012015). Collection method: clinical testing. Allele origin: germline. Affected: yes.
Comment: This variant is considered likely benign or benign based on one or more of the following criteria: it is a conservative change, it occurs at a poorly conserved position in the protein, it is predicted to be benign by multiple in silico algorithms, and/or has population frequency not consistent with disease.